The following is an entry in ClinVar:

ClinVar aggregate classification (germline): Pathogenic/Likely pathogenic. Review status: criteria provided, multiple submitters, no conflicts (2 of 4 stars). 4 submissions from 4 submitters: Pathogenic (3); Likely pathogenic (1). Last evaluated 2025-12-11.

Conditions:
Familial adenomatous polyposis 1 (FAP1). Also called: FAMILIAL ADENOMATOUS POLYPOSIS 1, ATTENUATED; POLYPOSIS, ADENOMATOUS INTESTINAL. Identifiers: MedGen C2713442, MONDO:0021056, OMIM 175100. Disease mechanism: loss of function.
Hereditary cancer-predisposing syndrome. Also called: Hereditary neoplastic syndrome; Tumor predisposition; Hereditary Cancer Syndrome; Neoplastic Syndromes, Hereditary. Identifiers: Orphanet 140162, MedGen C0027672, MeSH D009386, MONDO:0015356.

Submissions (4):

Ambry Genetics
Classification: Likely pathogenic for Hereditary cancer-predisposing syndrome. Last evaluated: 2025-12-11. Review status: criteria provided, single submitter. Criteria: Ambry Variant Classification Scheme 2023. Collection method: clinical testing. Allele origin: germline.
Comment: The c.5252delA variant, located in coding exon 15 of the APC gene, results from a deletion of one nucleotide at nucleotide position 5252, causing a translational frameshift with a predicted alternate stop codon (p.Q1751Rfs*15). This alteration occurs at the 3' terminus of the gene, is not expected to trigger nonsense-mediated mRNA decay, and impacts the last 38% of the protein. However, premature stop codons are typically deleterious in nature and a significant portion of the protein is affected (Ambry internal data). This variant was reported in individual(s) with features consistent with APC-related familial adenomatous polyposis (Ambry internal data). This variant is considered to be rare based on population cohorts in the Genome Aggregation Database (gnomAD). Based on the majority of available evidence to date, this variant is likely to be pathogenic.

GeneDx
Classification: Pathogenic. Last evaluated: 2025-02-10. Review status: criteria provided, single submitter. Criteria: GeneDx Variant Classification Process June 2021. Collection method: clinical testing. Allele origin: germline. Affected: yes.
Comment: Frameshift variant predicted to result in protein truncation or nonsense mediated decay in a gene for which loss of function is a known mechanism of disease; Not observed at significant frequency in large population cohorts (gnomAD); Has not been previously published as pathogenic or benign to our knowledge

Labcorp Genetics (formerly Invitae), Labcorp
Classification: Pathogenic for Familial adenomatous polyposis 1. Last evaluated: 2023-08-18. Review status: criteria provided, single submitter. Criteria: Invitae Variant Classification Sherloc (09022015). Collection method: clinical testing. Allele origin: germline.
Comment: This sequence change creates a premature translational stop signal (p.Gln1751Argfs*15) in the APC gene. While this is not anticipated to result in nonsense mediated decay, it is expected to disrupt the last 1093 amino acid(s) of the APC protein. This variant is not present in population databases (gnomAD no frequency). This variant has not been reported in the literature in individuals affected with APC-related conditions. This variant is expected to disrupt the EB1 and HDLG binding sites, which mediate interactions with the cytoskeleton (PMID: 15311282, 17293347). While functional studies have not been performed to directly test the effect on APC protein function, this suggests that disruption of the C-terminal portion of the protein is functionally important. A different truncation (p.Tyr2645Lysfs*14) that lies downstream of this variant has been determined to be pathogenic (PMID: 9824584, 1316610, 27081525, 8381579, 22135120, Invitae). This suggests that deletion of this region of the APC protein is causative of disease. For these reasons, this variant has been classified as Pathogenic.

Myriad Genetics, Inc.
Classification: Pathogenic for Familial adenomatous polyposis 1. Last evaluated: 2023-05-12. Review status: criteria provided, single submitter. Criteria: Myriad Autosomal Dominant, Autosomal Recessive and X-Linked Classification Criteria (2023). Collection method: clinical testing. Allele origin: unknown.
Comment: This variant is considered pathogenic. This variant creates a frameshift predicted to result in premature protein truncation.

Literature cited by the submitters: PubMed 15311282 (cited by Labcorp Genetics (formerly Invitae), Labcorp); PubMed 17293347 (cited by Labcorp Genetics (formerly Invitae), Labcorp); PubMed 9824584 (cited by Labcorp Genetics (formerly Invitae), Labcorp); PubMed 1316610 (cited by Labcorp Genetics (formerly Invitae), Labcorp); PubMed 27081525 (cited by Labcorp Genetics (formerly Invitae), Labcorp); PubMed 8381579 (cited by Labcorp Genetics (formerly Invitae), Labcorp); PubMed 22135120 (cited by Labcorp Genetics (formerly Invitae), Labcorp).

NM_000038.6(APC):c.5252del (p.Gln1751fs)

Gene: APC (APC regulator of Wnt signaling pathway; plus strand). Cytogenetic location: 5q22.2.
Variant type: Deletion.
Coding change: c.5252del on transcript NM_000038.6 (MANE Select); coding-DNA position 5252, one base deleted (A; older notation c.5252delA).
Protein change: p.Gln1751fs; shifts the reading frame from glutamine 1751.
Molecular consequence: frameshift variant. On other transcripts: non-coding transcript variant (2).
Genome position (GRCh38, 1-based): chr5:112,840,846, A deleted. VCF-style (leftmost placement, unchanged base first): chr5-112840845-CA-C. GRCh37 (hg19) VCF-style: chr5-112176542-CA-C.
Other names: c.5252del (NM_000038.5); c.5252delA (NM_000038.5); c.5252del, p.Gln1751fs (NM_001127510.3, NM_001354895.2, NM_001407450.1); c.5198del, p.Gln1733fs (NM_001127511.3); c.5306del, p.Gln1769fs (NM_001354896.2, NM_001407447.1, NM_001407448.1 and 1 more transcripts); c.5282del, p.Gln1761fs (NM_001354897.2); c.5177del, p.Gln1726fs (NM_001354898.2); c.5168del, p.Gln1723fs (NM_001354899.2); and 13 more; short protein forms Q1367fs, Q1468fs, Q1591fs, Q1622fs, Q1625fs, Q1650fs, Q1660fs, Q1668fs.
Identifiers: ClinVar variation 2584006 (VCV002584006.7), dbSNP rs2533631621, ClinGen allele CA1139770823.